The following is an entry in ClinVar:

NM_001374353.1(GLI2):c.4064G>A (p.Arg1355Gln)

Gene: GLI2 (GLI family zinc finger 2; plus strand). Cytogenetic location: 2q14.2.
Variant type: single nucleotide variant.
Coding change: c.4064G>A on transcript NM_001374353.1 (MANE Select); coding-DNA position 4064, G replaced by A.
Protein change: p.Arg1355Gln; replaces arginine 1355 with glutamine.
Molecular consequence: missense variant.
Genome position (GRCh38, 1-based): chr2:120,990,029, G>A. VCF-style: chr2-120990029-G-A. GRCh37 (hg19) VCF-style: chr2-121747605-G-A.
Other names: c.4115G>A, p.Arg1372Gln (NM_001371271.1, NM_005270.5); c.3689G>A, p.Arg1230Gln (NM_001374354.1); short protein forms R1355Q, R1230Q, R1372Q.
Identifiers: ClinVar variation 892641 (VCV000892641.13), dbSNP rs201915462, ClinGen allele CA1852544.

ClinVar aggregate classification (germline): Likely benign. Review status: criteria provided, multiple submitters, no conflicts (2 of 4 stars). 3 submissions from 3 submitters: Likely benign (3). Last evaluated 2025-07-01.

Conditions:
Holoprosencephaly 9 (HPE9). Also called: HOLOPROSENCEPHALY WITH MICROPHTHALMIA AND FIRST BRANCHIAL ARCH ANOMALIES; PITUITARY ANOMALIES WITH HOLOPROSENCEPHALY-LIKE FEATURES. Identifiers: Orphanet 2162, MedGen C1835819, MONDO:0012563, OMIM 610829.
Inborn genetic diseases. Identifiers: MedGen C0950123, MeSH D030342.

Allele frequency attached by ClinVar (database versions not stated): gnomAD exomes 0.00002 and 0.00006; ExAC 0.00007; gnomAD 0.00016 and 0.00018; TOPMed 0.00018; ESP Exome Variant Server 0.00031.
gnomAD v4.1: 54 of 1,606,060 alleles (0.0034%); highest among the groups gnomAD compares: African/African-American, 0.053%; no homozygotes.

Submissions (3):

CeGaT Center for Human Genetics Tuebingen
Classification: Likely benign. Last evaluated: 2025-07-01. Review status: criteria provided, single submitter. Criteria: CeGaT Center For Human Genetics Tuebingen Variant Classification Criteria Version 2. Collection method: clinical testing. Allele origin: germline. Affected: yes. Observed: 1 variant allele.
Comment: GLI2: BP4

Ambry Genetics
Classification: Likely benign for Inborn genetic diseases. Last evaluated: 2023-12-20. Review status: criteria provided, single submitter. Criteria: Ambry Variant Classification Scheme 2023. Collection method: clinical testing. Allele origin: germline.

Illumina Laboratory Services, Illumina
Classification: Likely benign for Holoprosencephaly 9. Last evaluated: 2018-01-13. Review status: criteria provided, single submitter. Criteria: ICSL Variant Classification Criteria 13 December 2019. Collection method: clinical testing. Allele origin: germline.
Comment: This variant was observed in the ICSL laboratory as part of a predisposition screen in an ostensibly healthy population. It had not been previously curated by ICSL or reported in the Human Gene Mutation Database (HGMD: prior to June 1st, 2018), and was therefore a candidate for classification through an automated scoring system. Utilizing variant allele frequency, disease prevalence and penetrance estimates, and inheritance mode, an automated score was calculated to assess if this variant is too frequent to cause the disease. Based on the score and internal cut-off values, a variant classified as likely benign is not then subjected to further curation. The score for this variant resulted in a classification of likely benign for this disease.